The following is an entry in ClinVar:

NM_001098511.3(KIF2A):c.64+10_64+11delinsAG

Genes: KIF2A (kinesin family member 2A; plus strand), LOC129993961 (ATAC-STARR-seq lymphoblastoid silent region 16051; plus strand). Cytogenetic location: 5q12.1.
Variant type: Indel.
Coding change: c.64+10_64+11delinsAG on transcript NM_001098511.3 (MANE Select); bases 10 to 11 of the intron after coding-DNA position 64, GC replaced by AG.
Molecular consequence: intron variant.
Genome position (GRCh38, 1-based): chr5:62,306,546-62,306,547, GC replaced by AG. VCF-style: chr5-62306546-GC-AG. GRCh37 (hg19) VCF-style: chr5-61602373-GC-AG.
Other names: c.-221+10_-221+11delinsAG (NM_001243952.2); c.64+10_64+11delinsAG (NM_004520.5, NM_001243953.2).
Identifiers: ClinVar variation 3650331 (VCV003650331.2).

ClinVar aggregate classification (germline): Uncertain significance (1 of 4 stars; one submission).

Submission:

Labcorp Genetics (formerly Invitae), Labcorp
Classification: Uncertain significance. Last evaluated: 2024-04-18. Review status: criteria provided, single submitter. Criteria: Invitae Variant Classification Sherloc (09022015). Collection method: clinical testing. Allele origin: germline.
Comment: This sequence change falls in intron 1 of the KIF2A gene. It does not directly change the encoded amino acid sequence of the KIF2A protein. Information on the frequency of this variant in the gnomAD database is not available, as this variant may be reported differently in the database. This variant has not been reported in the literature in individuals affected with KIF2A-related conditions. Experimental studies and prediction algorithms are not available or were not evaluated, and the effect of this variant on mRNA splicing is currently unknown. In summary, the available evidence is currently insufficient to determine the role of this variant in disease. Therefore, it has been classified as a Variant of Uncertain Significance.